The following is an entry in ClinVar:

ClinVar aggregate classification (germline): Uncertain significance. Review status: criteria provided, single submitter (1 of 4 stars). 2 submissions from 2 submitters: Uncertain significance (1). 1 of the submissions does not count toward it. Last evaluated 2025-10-20.

Conditions:
Hereditary factor XI deficiency disease. Also called: PLASMA THROMBOPLASTIN ANTECEDENT DEFICIENCY; Congenital factor XI deficiency; PTA DEFICIENCY; ROSENTHAL SYNDROME. Identifiers: Orphanet 329, MedGen C0015523, MeSH D005173, MONDO:0012897, OMIM 612416.

Allele frequency attached by ClinVar (database versions not stated): gnomAD exomes below 0.00001; ExAC 0.00001; gnomAD 0.00001; TOPMed 0.00001.
gnomAD v4.1: 28 of 1,614,018 alleles (0.0017%); highest among the groups gnomAD compares: Non-Finnish European, 0.0024%; no homozygotes.

Submissions (2):

Myriad Genetics, Inc.
Classification: Uncertain significance for Hereditary factor XI deficiency disease. Last evaluated: 2025-10-20. Review status: criteria provided, single submitter. Criteria: Myriad Autosomal Dominant, Autosomal Recessive and X-Linked Classification Criteria (2023). Collection method: clinical testing. Allele origin: unknown.
Comment: NM_000128.3(F11):c.1378T>G(F460V) is a missense variant classified as a variant of uncertain significance in the context of factor XI deficiency. F460V has been observed in a case with relevant disease (PMID: 7669672). Relevant functional assessments of this variant are not available in the literature. F460V has been observed in referenced population frequency databases. In summary, there is insufficient evidence to classify NM_000128.3(F11):c.1378T>G(F460V) as pathogenic or benign. Please note: this variant was assessed in the context of healthy population screening.

OMIM
Classification: Pathogenic for FACTOR XI DEFICIENCY. Last evaluated: 1995-08-01. Review status: no assertion criteria provided. Collection method: literature only. Allele origin: germline. Not counted in ClinVar's aggregate classification.

Literature cited by the submitters: PubMed 7669672 (cited by Myriad Genetics, Inc. and OMIM).

NM_000128.4(F11):c.1378T>G (p.Phe460Val)

Gene: F11 (coagulation factor XI; plus strand). Cytogenetic location: 4q35.2.
Variant type: single nucleotide variant.
Coding change: c.1378T>G on transcript NM_000128.4 (MANE Select); coding-DNA position 1378, T replaced by G.
Protein change: p.Phe460Val; replaces phenylalanine 460 with valine.
Molecular consequence: missense variant.
Genome position (GRCh38, 1-based): chr4:186,285,711, T>G. VCF-style: chr4-186285711-T-G. GRCh37 (hg19) VCF-style: chr4-187206865-T-G.
Other names: F11, PHE442VAL; F442V; short protein forms F460V.
Identifiers: ClinVar variation 11895 (VCV000011895.2), dbSNP rs121965065, ClinGen allele CA121750.
Genomic context (GRCh38, chr4:186,285,711, plus strand): 5'-AAGATTTTGCGTGTCTACAGTGGCATTTTAAATCAATCTGAAATAAAAGAGGACACATCT[T>G]TCTTTGGGGTTCAAGAAATAATAATCCATGATCAGTATAAAATGGCAGAAAGCGGGTATG-3'
Protein context (NP_000119.1, residues 450-470): NQSEIKEDTS[Phe460Val]FGVQEIIIHD